The following is an entry in ClinVar:

ClinVar aggregate classification (germline): Uncertain significance (1 of 4 stars; one submission).

Conditions:
Marfan syndrome (MFS). Also called: MARFAN SYNDROME, TYPE I; Marfan syndrome type 1; Marfan's syndrome; Marfan syndrome, classic; FBN1-Related Marfan Syndrome. Identifiers: Orphanet 284963, Orphanet 558, MedGen C0024796, MONDO:0007947, OMIM 154700.
Familial thoracic aortic aneurysm and aortic dissection (TAAD). Also called: Thoracic aortic aneurysms and dissections. Identifiers: Orphanet 91387, MedGen C4707243, MONDO:0019625.

Allele frequency attached by ClinVar (database versions not stated): gnomAD exomes below 0.00001.
gnomAD v4.1: 1 of 1,609,616 alleles (0.000062%); highest among the groups gnomAD compares: Non-Finnish European, 0.000085%; no homozygotes.

Submission:

Labcorp Genetics (formerly Invitae), Labcorp
Classification: Uncertain significance for Marfan syndrome; Familial thoracic aortic aneurysm and aortic dissection. Last evaluated: 2023-01-19. Review status: criteria provided, single submitter. Criteria: Invitae Variant Classification Sherloc (09022015). Collection method: clinical testing. Allele origin: germline.
Comment: In summary, the available evidence is currently insufficient to determine the role of this variant in disease. Therefore, it has been classified as a Variant of Uncertain Significance. This sequence change replaces serine, which is neutral and polar, with tyrosine, which is neutral and polar, at codon 1583 of the FBN1 protein (p.Ser1583Tyr). This variant is not present in population databases (gnomAD no frequency). This variant has not been reported in the literature in individuals affected with FBN1-related conditions. Algorithms developed to predict the effect of missense changes on protein structure and function are either unavailable or do not agree on the potential impact of this missense change (SIFT: "Deleterious"; PolyPhen-2: "Benign"; Align-GVGD: "Class C0").

NM_000138.5(FBN1):c.4748C>A (p.Ser1583Tyr)

Gene: FBN1 (fibrillin 1; minus strand). Cytogenetic location: 15q21.1.
Variant type: single nucleotide variant.
Coding change: c.4748C>A on transcript NM_000138.5 (MANE Select); coding-DNA position 4748, C replaced by A.
Protein change: p.Ser1583Tyr; replaces serine 1583 with tyrosine.
Molecular consequence: missense variant.
Genome position (GRCh38, 1-based): chr15:48,465,858, G>T on the plus strand (C>A on the coding strand, the complement: FBN1 is on the minus strand). VCF-style: chr15-48465858-G-T. GRCh37 (hg19) VCF-style: chr15-48758055-G-T.
Other names: c.4748C>A, p.Ser1583Tyr (NM_001406716.1); short protein forms S1583Y.
Identifiers: ClinVar variation 2941113 (VCV002941113.3), dbSNP rs2505497836, ClinGen allele CA392351889.